The following is an entry in ClinVar:

ClinVar aggregate classification (germline): Uncertain significance (1 of 4 stars; one submission).

Allele frequency attached by ClinVar (database versions not stated): gnomAD exomes below 0.00001; TOPMed below 0.00001.
gnomAD v4.1: 1 of 1,613,932 alleles (0.000062%); highest among the groups gnomAD compares: Non-Finnish European, 0.000085%; no homozygotes.

Submission:

Labcorp Genetics (formerly Invitae), Labcorp
Classification: Uncertain significance. Last evaluated: 2022-04-21. Review status: criteria provided, single submitter. Criteria: Invitae Variant Classification Sherloc (09022015). Collection method: clinical testing. Allele origin: germline.
Comment: This sequence change replaces glycine, which is neutral and non-polar, with aspartic acid, which is acidic and polar, at codon 565 of the ADAMTSL4 protein (p.Gly565Asp). This variant is not present in population databases (gnomAD no frequency). This variant has not been reported in the literature in individuals affected with ADAMTSL4-related conditions. Algorithms developed to predict the effect of missense changes on protein structure and function (SIFT, PolyPhen-2, Align-GVGD) all suggest that this variant is likely to be disruptive. Algorithms developed to predict the effect of sequence changes on RNA splicing suggest that this variant may create or strengthen a splice site. In summary, the available evidence is currently insufficient to determine the role of this variant in disease. Therefore, it has been classified as a Variant of Uncertain Significance.

NM_019032.6(ADAMTSL4):c.1694G>A (p.Gly565Asp)

Genes: ADAMTSL4 (ADAMTS like 4; plus strand), ADAMTSL4-AS2 (ADAMTSL4 antisense RNA 2; minus strand). Cytogenetic location: 1q21.2.
Variant type: single nucleotide variant.
Coding change: c.1694G>A on transcript NM_019032.6 (MANE Select); coding-DNA position 1694, G replaced by A.
Protein change: p.Gly565Asp; replaces glycine 565 with aspartic acid.
Molecular consequence: missense variant.
Genome position (GRCh38, 1-based): chr1:150,556,738, G>A. VCF-style: chr1-150556738-G-A. GRCh37 (hg19) VCF-style: chr1-150529214-G-A.
Other names: c.1763G>A, p.Gly588Asp (NM_001288607.2, NM_001288608.2); c.1694G>A, p.Gly565Asp (NM_001378596.1, NM_025008.5); short protein forms G588D, G565D.
Identifiers: ClinVar variation 1917039 (VCV001917039.2), dbSNP rs1570947876, ClinGen allele CA342312727.